The following is an entry in ClinVar:

NM_000218.3(KCNQ1):c.1252-11_1252-10insA

Gene: KCNQ1 (potassium voltage-gated channel subfamily Q member 1; plus strand). Cytogenetic location: 11p15.5.
Variant type: Insertion.
Coding change: c.1252-11_1252-10insA on transcript NM_000218.3 (MANE Select); 11 bases into the intron before coding-DNA position 1252 through 10 bases into the intron before coding-DNA position 1252, A inserted.
Molecular consequence: intron variant.
Genome position: GRCh38 VCF-style: chr11-2588702-G-GA. GRCh37 (hg19) VCF-style: chr11-2609932-G-GA.
Other names: c.982-11_982-10insA (NM_001406837.1); c.1156-11_1156-10insA (NM_001406836.1); c.712-11_712-10insA (NM_001406838.1); c.871-11_871-10insA (NM_181798.2).
Identifiers: ClinVar variation 3070054 (VCV003070054.1), dbSNP rs2493708109, ClinGen allele CA2574728366.
Genomic context (GRCh38, chr11:2,588,702, plus strand): 5'-ACTCTGGGGCCGGCGTAGGGCCTGGCAGACGATGTCCAGGAACCGCTAATCTGTTGTCTT[G>GA]TTTTTTTTAGGTAAAGAAAAAAAAGTTCAAGCTGGACAAAGACAATGGGGTGACTCCTGG-3'

ClinVar aggregate classification (germline): Uncertain significance (1 of 4 stars; one submission).

Conditions:
Long QT syndrome (LQTS). Identifiers: MedGen C0023976, MeSH D008133, MONDO:0002442. Disease mechanism: loss of function. Inheritance: Various modes of inheritance.

Allele frequency attached by ClinVar (database versions not stated): gnomAD exomes below 0.00001.

Submission:

All of Us Research Program, National Institutes of Health
Classification: Uncertain significance for Long QT syndrome. Last evaluated: 2023-04-03. Review status: criteria provided, single submitter. Criteria: ACMG Guidelines, 2015. Collection method: clinical testing. Allele origin: germline. Inheritance: Autosomal dominant inheritance. Observed: 1 variant allele, 1 heterozygote.
Comment: This variant causes an insertion of 1 nucleotide in intron 9 of the KCNQ1 gene. To our knowledge, functional studies have not been reported for this variant. This variant has not been reported in individuals affected with cardiovascular disorders in the literature. This variant has not been identified in the general population by the Genome Aggregation Database (gnomAD). The available evidence is insufficient to determine the role of this variant in disease conclusively. Therefore, this variant is classified as a Variant of Uncertain Significance.

This study involves interpretation of variants in research participants for the purpose of population health screening. Participant phenotype was not available at the time of variant classification. Additional details can be found in publication PMID: 35346344, PMCID: PMC8962531